The following is an entry in ClinVar:

NM_205768.3(ZBTB18):c.263T>C (p.Leu88Pro)

Gene: ZBTB18 (zinc finger and BTB domain containing 18; plus strand). Cytogenetic location: 1q44.
Variant type: single nucleotide variant.
Coding change: c.263T>C on transcript NM_205768.3 (MANE Select); coding-DNA position 263, T replaced by C.
Protein change: p.Leu88Pro; replaces leucine 88 with proline.
Molecular consequence: missense variant.
Genome position (GRCh38, 1-based): chr1:244,054,037, T>C. VCF-style: chr1-244054037-T-C. GRCh37 (hg19) VCF-style: chr1-244217339-T-C.
Other names: c.236T>C, p.Leu79Pro (NM_001278196.2, NM_006352.5); short protein forms L79P, L88P.
Identifiers: ClinVar variation 1313296 (VCV001313296.2), dbSNP rs2148556172, ClinGen allele CA345672495.

ClinVar aggregate classification (germline): Uncertain significance (1 of 4 stars; one submission).

Submission:

GeneDx
Classification: Uncertain significance. Last evaluated: 2020-10-21. Review status: criteria provided, single submitter. Criteria: GeneDx Variant Classification Process June 2021. Collection method: clinical testing. Allele origin: germline. Affected: yes.
Comment: Not observed in large population cohorts (Lek et al., 2016); In silico analysis supports that this missense variant has a deleterious effect on protein structure/function; Has not been previously published as pathogenic or benign to our knowledge